The following is an entry in ClinVar:

ClinVar aggregate classification (germline): Uncertain significance (1 of 4 stars; one submission).

Conditions:
Holoprosencephaly 4 (HPE4). Identifiers: Orphanet 2162, MedGen C1840528, MONDO:0007734, OMIM 142946.

Allele frequency attached by ClinVar (database versions not stated): ExAC 0.00002.
gnomAD v4.1: 7 of 1,614,246 alleles (0.00043%); highest among the groups gnomAD compares: Admixed American, 0.012%; no homozygotes.

Submission:

Labcorp Genetics (formerly Invitae), Labcorp
Classification: Uncertain significance for Holoprosencephaly 4. Last evaluated: 2023-04-24. Review status: criteria provided, single submitter. Criteria: Invitae Variant Classification Sherloc (09022015). Collection method: clinical testing. Allele origin: germline.
Comment: This sequence change replaces lysine, which is basic and polar, with arginine, which is basic and polar, at codon 100 of the TGIF1 protein (p.Lys100Arg). This variant is present in population databases (rs749817664, gnomAD 0.02%). This variant has not been reported in the literature in individuals affected with TGIF1-related conditions. Advanced modeling of protein sequence and biophysical properties (such as structural, functional, and spatial information, amino acid conservation, physicochemical variation, residue mobility, and thermodynamic stability) performed at Invitae indicates that this missense variant is not expected to disrupt TGIF1 protein function. In summary, the available evidence is currently insufficient to determine the role of this variant in disease. Therefore, it has been classified as a Variant of Uncertain Significance.

NM_003244.4(TGIF1):c.299A>G (p.Lys100Arg)

Gene: TGIF1 (TGFB induced factor homeobox 1; plus strand). Cytogenetic location: 18p11.31.
Variant type: single nucleotide variant.
Coding change: c.299A>G on transcript NM_003244.4 (MANE Select); coding-DNA position 299, A replaced by G.
Protein change: p.Lys100Arg; replaces lysine 100 with arginine.
Molecular consequence: missense variant.
Genome position (GRCh38, 1-based): chr18:3,457,420, A>G. VCF-style: chr18-3457420-A-G. GRCh37 (hg19) VCF-style: chr18-3457418-A-G.
Other names: c.308A>G, p.Lys103Arg (NM_001278682.2); c.299A>G, p.Lys100Arg (NM_001278684.2, NM_173208.3); c.239A>G, p.Lys80Arg (NM_001278686.3, NM_001374396.1, NM_001374397.1 and 5 more transcripts); c.341A>G, p.Lys114Arg (NM_173207.4); short protein forms K103R, K114R, K100R, K80R.
Identifiers: ClinVar variation 2722618 (VCV002722618.3), dbSNP rs749817664, ClinGen allele CA8875927.